The following is an entry in ClinVar:

ClinVar aggregate classification (germline): Uncertain significance (1 of 4 stars; one submission).

Conditions:
Hereditary cancer-predisposing syndrome. Also called: Neoplastic Syndromes, Hereditary; Tumor predisposition; Hereditary Cancer Syndrome; Hereditary neoplastic syndrome. Identifiers: Orphanet 140162, MedGen C0027672, MeSH D009386, MONDO:0015356.

gnomAD v4.1: 2 of 1,613,262 alleles (0.00012%); highest among the groups gnomAD compares: African/African-American, 0.0013%; no homozygotes.

Submission:

Ambry Genetics
Classification: Uncertain significance for Hereditary cancer-predisposing syndrome. Last evaluated: 2025-07-28. Review status: criteria provided, single submitter. Criteria: Ambry Variant Classification Scheme 2023. Collection method: clinical testing. Allele origin: germline.
Comment: The p.S1295N variant (also known as c.3884G>A), located in coding exon 20 of the BLM gene, results from a G to A substitution at nucleotide position 3884. The serine at codon 1295 is replaced by asparagine, an amino acid with highly similar properties. This amino acid position is conserved. In addition, this alteration is predicted to be tolerated by in silico analysis. Based on the available evidence, the clinical significance of this variant remains unclear.

NM_000057.4(BLM):c.3884G>A (p.Ser1295Asn)

Gene: BLM (BLM RecQ like helicase; plus strand). Cytogenetic location: 15q26.1.
Variant type: single nucleotide variant.
Coding change: c.3884G>A on transcript NM_000057.4 (MANE Select); coding-DNA position 3884, G replaced by A.
Protein change: p.Ser1295Asn; replaces serine 1295 with asparagine.
Molecular consequence: missense variant.
Genome position (GRCh38, 1-based): chr15:90,811,214, G>A. VCF-style: chr15-90811214-G-A. GRCh37 (hg19) VCF-style: chr15-91354444-G-A.
Other names: c.3884G>A, p.Ser1295Asn (NM_001287246.2); c.3491G>A, p.Ser1164Asn (NM_001287247.2); c.2759G>A, p.Ser920Asn (NM_001287248.2); short protein forms S1164N, S1295N, S920N.
Identifiers: ClinVar variation 4211199 (VCV004211199.1).